The following is an entry in ClinVar:

NM_015474.4(SAMHD1):c.1445G>A (p.Ser482Asn)

Gene: SAMHD1 (SAM and HD domain containing deoxynucleoside triphosphate triphosphohydrolase 1; minus strand). Cytogenetic location: 20q11.23.
Variant type: single nucleotide variant.
Coding change: c.1445G>A on transcript NM_015474.4 (MANE Select); coding-DNA position 1445, G replaced by A.
Protein change: p.Ser482Asn; replaces serine 482 with asparagine.
Molecular consequence: missense variant.
Genome position (GRCh38, 1-based): chr20:36,904,215, C>T on the plus strand (G>A on the coding strand, the complement: SAMHD1 is on the minus strand). VCF-style: chr20-36904215-C-T. GRCh37 (hg19) VCF-style: chr20-35532618-C-T.
Other names: c.1445G>A, p.Ser482Asn (NM_001363729.2, NM_001363733.2); short protein forms S482N.
Identifiers: ClinVar variation 582618 (VCV000582618.12), dbSNP rs373079404, ClinGen allele CA9844501.
Genomic context (GRCh38, chr20:36,904,215, plus strand): 5'-ACATCCACTATAAAATCTTCAGCCTTCAGTTTCACGTCTAGCAATACTTTGGGTTTAGCA[C>T]TGGCAACCTCTTTTGGAAGAGATTCATAGTCCTCCTGGAAAACACAAGACTCCCCATGTT-3'
Protein context (NP_056289.2, residues 472-492): DYESLPKEVA[Ser482Asn]AKPKVLLDVK

ClinVar aggregate classification (germline): Conflicting classifications of pathogenicity. Review status: criteria provided, conflicting classifications (1 of 4 stars). 7 submissions from 6 submitters: Uncertain significance (5); Benign (1). 1 of the submissions does not count toward it. Last evaluated 2025-10-18.

Conditions:
Aicardi Goutieres syndrome (AGS). Also called: Encephalopathy, familial infantile, with calcification of basal ganglia and chronic cerebrospinal fluid lymphocytosis. Identifiers: Orphanet 51, MedGen C0393591, MONDO:0018866.
Inborn genetic diseases. Identifiers: MedGen C0950123, MeSH D030342.
Aicardi-Goutieres syndrome 5. Identifiers: Orphanet 51, MedGen C2749659, MONDO:0013059, OMIM 612952.
Chilblain lupus 2 (CHBL2). Identifiers: MedGen C3280721, MONDO:0013739, OMIM 614415.

Allele frequency attached by ClinVar (database versions not stated): ExAC 0.00002; gnomAD exomes 0.00002; TOPMed 0.00003; 1000 Genomes Project 30x 0.00016; 1000 Genomes Project 0.00020.
gnomAD v4.1: 39 of 1,613,800 alleles (0.0024%); highest among the groups gnomAD compares: East Asian, 0.049%; no homozygotes.

Submissions (7):

Ambry Genetics
Classification: Uncertain significance for Inborn genetic diseases. Last evaluated: 2025-10-18. Review status: criteria provided, single submitter. Criteria: Ambry Variant Classification Scheme 2023. Collection method: clinical testing. Allele origin: germline.

Blueprint Genetics
Classification: Uncertain significance. Last evaluated: 2023-12-22. Review status: criteria provided, single submitter. Criteria: ACMG Guidelines, 2015. Collection method: clinical testing. Allele origin: germline.

Labcorp Genetics (formerly Invitae), Labcorp
Classification: Uncertain significance for Aicardi-Goutieres syndrome 5. Last evaluated: 2022-09-19. Review status: criteria provided, single submitter. Criteria: Invitae Variant Classification Sherloc (09022015). Collection method: clinical testing. Allele origin: germline.
Comment: This sequence change replaces serine, which is neutral and polar, with asparagine, which is neutral and polar, at codon 482 of the SAMHD1 protein (p.Ser482Asn). This variant is present in population databases (rs373079404, gnomAD 0.03%). This variant has not been reported in the literature in individuals affected with SAMHD1-related conditions. ClinVar contains an entry for this variant (Variation ID: 582618). Advanced modeling of protein sequence and biophysical properties (such as structural, functional, and spatial information, amino acid conservation, physicochemical variation, residue mobility, and thermodynamic stability) performed at Invitae indicates that this missense variant is not expected to disrupt SAMHD1 protein function. In summary, the available evidence is currently insufficient to determine the role of this variant in disease. Therefore, it has been classified as a Variant of Uncertain Significance.

Fulgent Genetics
Classification: Uncertain significance for Aicardi-Goutieres syndrome 5; Chilblain lupus 2. Last evaluated: 2018-10-31. Review status: criteria provided, single submitter. Criteria: ACMG Guidelines, 2015. Collection method: clinical testing. Allele origin: unknown.

Illumina Laboratory Services, Illumina
Classification: Benign for Chilblain lupus 2. Last evaluated: 2018-01-12. Review status: criteria provided, single submitter. Criteria: ICSL Variant Classification Criteria 13 December 2019. Collection method: clinical testing. Allele origin: germline.
Comment: This variant was observed in the ICSL laboratory as part of a predisposition screen in an ostensibly healthy population. It had not been previously curated by ICSL or reported in the Human Gene Mutation Database (HGMD: prior to June 1st, 2018), and was therefore a candidate for classification through an automated scoring system. Utilizing variant allele frequency, disease prevalence and penetrance estimates, and inheritance mode, an automated score was calculated to assess if this variant is too frequent to cause the disease. Based on the score and internal cut-off values, a variant classified as benign is not then subjected to further curation. The score for this variant resulted in a classification of benign for this disease.

Illumina Laboratory Services, Illumina
Classification: Uncertain significance for Aicardi-Goutieres syndrome 5. Last evaluated: 2018-01-12. Review status: criteria provided, single submitter. Criteria: ICSL Variant Classification Criteria 13 December 2019. Collection method: clinical testing. Allele origin: germline.

Natera, Inc.
Classification: Uncertain significance for Aicardi-Goutieres syndrome. Last evaluated: 2020-02-26. Review status: no assertion criteria provided. Collection method: clinical testing. Allele origin: germline. Not counted in ClinVar's aggregate classification.